The following is an entry in ClinVar:

ClinVar aggregate classification (germline): Pathogenic (1 of 4 stars; one submission).

Conditions:
Marfan syndrome (MFS). Also called: MARFAN SYNDROME, TYPE I; Marfan syndrome type 1; Marfan's syndrome; Marfan syndrome, classic; FBN1-Related Marfan Syndrome. Identifiers: Orphanet 284963, Orphanet 558, MedGen C0024796, MONDO:0007947, OMIM 154700.
Familial thoracic aortic aneurysm and aortic dissection (TAAD). Also called: Thoracic aortic aneurysms and dissections. Identifiers: Orphanet 91387, MedGen C4707243, MONDO:0019625.

Submission:

Labcorp Genetics (formerly Invitae), Labcorp
Classification: Pathogenic for Marfan syndrome; Familial thoracic aortic aneurysm and aortic dissection. Last evaluated: 2024-02-19. Review status: criteria provided, single submitter. Criteria: Invitae Variant Classification Sherloc (09022015). Collection method: clinical testing. Allele origin: germline.
Comment: This sequence change creates a premature translational stop signal (p.Gln193*) in the FBN1 gene. It is expected to result in an absent or disrupted protein product. Loss-of-function variants in FBN1 are known to be pathogenic (PMID: 17657824, 19293843). This variant is not present in population databases (gnomAD no frequency). This premature translational stop signal has been observed in individual(s) with Marfan syndrome (PMID: 26787436). For these reasons, this variant has been classified as Pathogenic.

Literature cited by the submitters: PubMed 17657824; PubMed 19293843; PubMed 26787436.

NM_000138.5(FBN1):c.577C>T (p.Gln193Ter)

Gene: FBN1 (fibrillin 1; minus strand). Cytogenetic location: 15q21.1.
Variant type: single nucleotide variant.
Coding change: c.577C>T on transcript NM_000138.5 (MANE Select); coding-DNA position 577, C replaced by T.
Protein change: p.Gln193Ter; replaces glutamine 193 with a stop codon.
Molecular consequence: nonsense.
Genome position (GRCh38, 1-based): chr15:48,537,770, G>A on the plus strand (C>T on the coding strand, the complement: FBN1 is on the minus strand). VCF-style: chr15-48537770-G-A. GRCh37 (hg19) VCF-style: chr15-48829967-G-A.
Other names: c.577C>T, p.Gln193Ter (NM_001406716.1, NM_001406717.1); short protein forms Q193*.
Identifiers: ClinVar variation 3759299 (VCV003759299.2).
Genomic context (GRCh38, chr15:48,537,770, plus strand): 5'-CTGTGGCACAGCAGAGCGTTTTTGTGCAGACAATCCCGCTGAGTTGTCCCTGGCACATCT[G>A]GTTGCTGATCACAGTAAAACATGGGCCTGTCCTGTAATCTGAAAATAAAGAATAAAAATC-3'